The following is an entry in ClinVar:

NM_005751.5(AKAP9):c.5764+5G>A

Gene: AKAP9 (A-kinase anchoring protein 9; plus strand). Cytogenetic location: 7q21.2.
Variant type: single nucleotide variant.
Coding change: c.5764+5G>A on transcript NM_005751.5 (MANE Select); 5 bases into the intron after coding-DNA position 5764, G replaced by A.
Molecular consequence: intron variant.
Genome position (GRCh38, 1-based): chr7:92,061,427, G>A. VCF-style: chr7-92061427-G-A. GRCh37 (hg19) VCF-style: chr7-91690741-G-A.
Other names: c.5764+5G>A (NM_147185.3); c.409+5G>A (NM_001379277.1).
Identifiers: ClinVar variation 3726480 (VCV003726480.2).
Genomic context (GRCh38, chr7:92,061,427, plus strand): 5'-TCATGAGGAGTCCAGGGCCAGAGAACAGCTAGCTGTGGAGCTCAGTAAGGCTGAGGGTGA[G>A]CAATTTGCCATTGACAACTAAGGGTAGAGAAATTTCAGTCTTAAAATAGAGATTTTTGAT-3'

ClinVar aggregate classification (germline): Uncertain significance (1 of 4 stars; one submission).

Conditions:
Long QT syndrome (LQTS). Identifiers: MedGen C0023976, MeSH D008133, MONDO:0002442. Disease mechanism: loss of function. Inheritance: Various modes of inheritance.

Submission:

Labcorp Genetics (formerly Invitae), Labcorp
Classification: Uncertain significance for Long QT syndrome. Last evaluated: 2025-03-05. Review status: criteria provided, single submitter. Criteria: Invitae Variant Classification Sherloc (09022015). Collection method: clinical testing. Allele origin: germline.
Comment: This sequence change falls in intron 23 of the AKAP9 gene. It does not directly change the encoded amino acid sequence of the AKAP9 protein. It affects a nucleotide within the consensus splice site. This variant is not present in population databases (gnomAD no frequency). This variant has not been reported in the literature in individuals affected with AKAP9-related conditions. Variants that disrupt the consensus splice site are a relatively common cause of aberrant splicing (PMID: 17576681, 9536098). Algorithms developed to predict the effect of sequence changes on RNA splicing suggest that this variant may disrupt the consensus splice site. In summary, the available evidence is currently insufficient to determine the role of this variant in disease. Therefore, it has been classified as a Variant of Uncertain Significance.

Literature cited by the submitters: PubMed 17576681; PubMed 9536098.